The following is an entry in ClinVar:

NM_000350.3(ABCA4):c.2441_2446del (p.Glu814_Gln815del)

Gene: ABCA4 (ATP binding cassette subfamily A member 4; minus strand). Cytogenetic location: 1p22.1.
Variant type: Deletion.
Coding change: c.2441_2446del on transcript NM_000350.3 (MANE Select); coding-DNA positions 2441 to 2446, 6 bases deleted (AGCAAG; older notation c.2441_2446delAGCAAG).
Protein change: p.Glu814_Gln815del.
Molecular consequence: inframe deletion. On other transcripts: inframe indel (1).
Genome position (GRCh38, 1-based): chr1:94,055,252-94,055,257, CTTGCT deleted on the plus strand (AGCAAG on the coding strand, the reverse complement: ABCA4 is on the minus strand); deleting any 6 consecutive bases within chr1:94,055,252-94,055,260 gives the same sequence; the c. name uses the placement nearest the transcript's 3' end. VCF-style (leftmost placement, unchanged base first): chr1-94055251-CCTTGCT-C. GRCh37 (hg19) VCF-style: chr1-94520807-CCTTGCT-C.
Other names: c.2216_2221delAAGAGC, p.Glu740_Gln741del (NM_001425324.1).
Identifiers: ClinVar variation 2116432 (VCV002116432.4), dbSNP rs2523817260, ClinGen allele CA2580063330.

ClinVar aggregate classification (germline): Uncertain significance (1 of 4 stars; one submission).

Submission:

Labcorp Genetics (formerly Invitae), Labcorp
Classification: Uncertain significance. Last evaluated: 2022-03-30. Review status: criteria provided, single submitter. Criteria: Invitae Variant Classification Sherloc (09022015). Collection method: clinical testing. Allele origin: germline.
Comment: In summary, the available evidence is currently insufficient to determine the role of this variant in disease. Therefore, it has been classified as a Variant of Uncertain Significance. Experimental studies and prediction algorithms are not available or were not evaluated, and the functional significance of this variant is currently unknown. This variant has not been reported in the literature in individuals affected with ABCA4-related conditions. This variant is not present in population databases (gnomAD no frequency). This variant, c.2441_2446del, results in the deletion of 2 amino acid(s) of the ABCA4 protein (p.Glu814_Gln815del), but otherwise preserves the integrity of the reading frame.